The following is an entry in ClinVar:

ClinVar aggregate classification (germline): Uncertain significance (1 of 4 stars; one submission).

Submission:

GeneDx
Classification: Uncertain significance. Last evaluated: 2026-10-02. Review status: criteria provided, single submitter. Criteria: GeneDx Variant Classification Process June 2021. Collection method: clinical testing. Allele origin: germline.
Comment: Not observed at significant frequency in large population cohorts (gnomAD); In silico analysis supports that this missense variant has a deleterious effect on protein structure/function; Has not been previously published as pathogenic or benign to our knowledge

NM_001205293.3(CACNA1E):c.353C>G (p.Thr118Ser)

Gene: CACNA1E (calcium voltage-gated channel subunit alpha1 E; plus strand). Cytogenetic location: 1q25.3.
Variant type: single nucleotide variant.
Coding change: c.353C>G on transcript NM_001205293.3 (MANE Select); coding-DNA position 353, C replaced by G.
Protein change: p.Thr118Ser; replaces threonine 118 with serine.
Molecular consequence: missense variant.
Genome position (GRCh38, 1-based): chr1:181,510,563, C>G. VCF-style: chr1-181510563-C-G. GRCh37 (hg19) VCF-style: chr1-181479699-C-G.
Other names: c.353C>G, p.Thr118Ser (NM_000721.4, NM_001205294.2); short protein forms T118S.
Identifiers: ClinVar variation 4056938 (VCV004056938.2).